The following is an entry in ClinVar:

NM_016734.3(PAX5):c.677G>C (p.Gly226Ala)

Gene: PAX5 (paired box 5; minus strand). Cytogenetic location: 9p13.2.
Variant type: single nucleotide variant.
Coding change: c.677G>C on transcript NM_016734.3 (MANE Select); coding-DNA position 677, G replaced by C.
Protein change: p.Gly226Ala; replaces glycine 226 with alanine.
Molecular consequence: missense variant. On other transcripts: non-coding transcript variant (2).
Genome position (GRCh38, 1-based): chr9:36,966,652, C>G on the plus strand (G>C on the coding strand, the complement: PAX5 is on the minus strand). VCF-style: chr9-36966652-C-G. GRCh37 (hg19) VCF-style: chr9-36966649-C-G.
Other names: c.677G>C, p.Gly226Ala (NM_001280547.2, NM_001280548.2, NM_001280549.2 and 2 more transcripts); c.353G>C, p.Gly118Ala (NM_001280551.2, NM_001280556.2); c.548G>C, p.Gly183Ala (NM_001280553.2, NM_001280554.2); c.479G>C, p.Gly160Ala (NM_001280555.2); short protein forms G226A, G118A, G160A, G183A.
Identifiers: ClinVar variation 4843884 (VCV004843884.1).
Genomic context (GRCh38, chr9:36,966,652, plus strand): 5'-TAGTGCTGCCTCTCAAACACGCGGTCCAGCACCTCCAGCTGCTGCTGTGTGAACAAGTCT[C>G]CCCGCATCTGCTTCCGGAGGAAGTCTCTGCCCGGAAGCGAGTGGCCGTTCGGCACCGGAG-3'
Protein context (NP_057953.1, residues 216-236): GRDFLRKQMR[Gly226Ala]DLFTQQQLEV

ClinVar aggregate classification (germline): Uncertain significance (1 of 4 stars; one submission).

Conditions:
Inborn genetic diseases. Identifiers: MedGen C0950123, MeSH D030342.

Submission:

Ambry Genetics
Classification: Uncertain significance for Inborn genetic diseases. Last evaluated: 2025-12-28. Review status: criteria provided, single submitter. Criteria: Ambry Variant Classification Scheme 2023. Collection method: clinical testing. Allele origin: germline.
Comment: The p.G226A variant (also known as c.677G>C), located in coding exon 6 of the PAX5 gene, results from a G to C substitution at nucleotide position 677. The glycine at codon 226 is replaced by alanine, an amino acid with similar properties. This amino acid position is conserved. In addition, the in silico prediction for this alteration is inconclusive. Based on the available evidence, the clinical significance of this variant remains unclear.